The following is an entry in ClinVar:

ClinVar aggregate classification (germline): Conflicting classifications of pathogenicity. Review status: criteria provided, conflicting classifications (1 of 4 stars). 9 submissions from 8 submitters: Uncertain significance (2); Benign (1); Likely benign (5). 1 of the submissions does not count toward it. Last evaluated 2026-01-28.

Conditions:
Retinitis pigmentosa (RP). Identifiers: Orphanet 791, MedGen C0035334, MeSH D012174, MONDO:0019200, OMIM 268000. Inheritance: Autosomal dominant, autosomal recessive and X linked inheritance.
Usher syndrome type 2A. Also called: USHER SYNDROME, TYPE IIA; RETINAL DISEASE IN USHER SYNDROME TYPE IIA, MODIFIER OF. Identifiers: Orphanet 231178, Orphanet 886, MedGen C1848634, MONDO:0010169, OMIM 276901.

Allele frequency attached by ClinVar (database versions not stated): gnomAD 0.00004 and 0.00032; TOPMed 0.00011; gnomAD exomes 0.00050 and 0.00090; ExAC 0.00105; 1000 Genomes Project 30x 0.00125; 1000 Genomes Project 0.00140.
gnomAD v4.1: 792 of 1,613,196 alleles (0.049%); highest among the groups gnomAD compares: South Asian, 0.78%; 10 homozygotes.

Submissions (9):

Labcorp Genetics (formerly Invitae), Labcorp
Classification: Benign. Last evaluated: 2026-01-28. Review status: criteria provided, single submitter. Criteria: Invitae Variant Classification Sherloc (09022015). Collection method: clinical testing. Allele origin: germline.

Blueprint Genetics
Classification: Likely benign. Last evaluated: 2024-11-18. Review status: criteria provided, single submitter. Criteria: ACMG Guidelines, 2015. Collection method: clinical testing. Allele origin: germline.

CeGaT Center for Human Genetics Tuebingen
Classification: Likely benign. Last evaluated: 2023-06-01. Review status: criteria provided, single submitter. Criteria: CeGaT Center For Human Genetics Tuebingen Variant Classification Criteria Version 2. Collection method: clinical testing. Allele origin: germline. Affected: yes. Observed: 1 variant allele.
Comment: USH2A: BP4, BP7

Pars Genome Lab
Classification: Likely benign for Usher syndrome type 2A. Last evaluated: 2021-05-18. Review status: criteria provided, single submitter. Criteria: ACMG Guidelines, 2015. Collection method: clinical testing. Allele origin: germline. Affected: no.

GeneDx
Classification: Likely benign. Last evaluated: 2018-05-25. Review status: criteria provided, single submitter. Criteria: GeneDx Variant Classification (06012015). Collection method: clinical testing. Allele origin: germline. Affected: yes.
Comment: This variant is considered likely benign or benign based on one or more of the following criteria: it is a conservative change, it occurs at a poorly conserved position in the protein, it is predicted to be benign by multiple in silico algorithms, and/or has population frequency not consistent with disease.

Illumina Laboratory Services, Illumina
Classification: Uncertain significance for Retinitis pigmentosa. Last evaluated: 2018-01-13. Review status: criteria provided, single submitter. Criteria: ICSL Variant Classification Criteria 13 December 2019. Collection method: clinical testing. Allele origin: germline.

Illumina Laboratory Services, Illumina
Classification: Uncertain significance for Usher syndrome type 2A. Last evaluated: 2018-01-13. Review status: criteria provided, single submitter. Criteria: ICSL Variant Classification Criteria 13 December 2019. Collection method: clinical testing. Allele origin: germline.

Laboratory for Molecular Medicine, Mass General Brigham Personalized Medicine
Classification: Likely benign. Last evaluated: 2013-06-02. Review status: criteria provided, single submitter. Criteria: LMM Criteria. Collection method: clinical testing. Allele origin: germline. Observed: 2 variant alleles.
Comment: Asp510Asp in exon 8 of USH2A: This variant is not expected to have clinical sign ificance because it does not alter an amino acid residue, is not located near a splice site, and has been identified in 0.1% (1/1323) of chromosomes by the Clin Seq Project (dbSNP rs200940197).

Natera, Inc.
Classification: Likely benign for Usher syndrome type 2A. Last evaluated: 2020-02-13. Review status: no assertion criteria provided. Collection method: clinical testing. Allele origin: germline. Not counted in ClinVar's aggregate classification.

NM_206933.4(USH2A):c.1530C>T (p.Asp510=)

Gene: USH2A (usherin; minus strand). Cytogenetic location: 1q41.
Variant type: single nucleotide variant.
Coding change: c.1530C>T on transcript NM_206933.4 (MANE Select); coding-DNA position 1530, C replaced by T.
Protein change: p.Asp510=; no amino-acid change (aspartic acid 510 retained).
Molecular consequence: synonymous variant.
Genome position (GRCh38, 1-based): chr1:216,323,494, G>A on the plus strand (C>T on the coding strand, the complement: USH2A is on the minus strand). VCF-style: chr1-216323494-G-A. GRCh37 (hg19) VCF-style: chr1-216496836-G-A.
Other names: c.1530C>T, p.Asp510= (NM_007123.6).
Identifiers: ClinVar variation 178992 (VCV000178992.49), dbSNP rs200940197, ClinGen allele CA183450.